The following is an entry in ClinVar:

ClinVar aggregate classification (germline): Uncertain significance. Review status: criteria provided, multiple submitters, no conflicts (2 of 4 stars). 2 submissions from 2 submitters: Uncertain significance (2). Last evaluated 2024-12-11.

Submissions (2):

Ambry Genetics
Classification: Uncertain significance. Last evaluated: 2024-12-11. Review status: criteria provided, single submitter. Criteria: Ambry Variant Classification Scheme 2023. Collection method: clinical testing. Allele origin: germline.

Labcorp Genetics (formerly Invitae), Labcorp
Classification: Uncertain significance. Last evaluated: 2023-07-12. Review status: criteria provided, single submitter. Criteria: Invitae Variant Classification Sherloc (09022015). Collection method: clinical testing. Allele origin: germline.
Comment: This sequence change replaces leucine, which is neutral and non-polar, with phenylalanine, which is neutral and non-polar, at codon 360 of the PLEKHM2 protein (p.Leu360Phe). This variant is not present in population databases (gnomAD no frequency). This variant has not been reported in the literature in individuals affected with PLEKHM2-related conditions. An algorithm developed to predict the effect of missense changes on protein structure and function (PolyPhen-2) suggests that this variant is likely to be tolerated. In summary, the available evidence is currently insufficient to determine the role of this variant in disease. Therefore, it has been classified as a Variant of Uncertain Significance.

NM_015164.4(PLEKHM2):c.1078C>T (p.Leu360Phe)

Gene: PLEKHM2 (pleckstrin homology and RUN domain containing M2; plus strand). Cytogenetic location: 1p36.21.
Variant type: single nucleotide variant.
Coding change: c.1078C>T on transcript NM_015164.4 (MANE Select); coding-DNA position 1078, C replaced by T.
Protein change: p.Leu360Phe; replaces leucine 360 with phenylalanine.
Molecular consequence: missense variant.
Genome position (GRCh38, 1-based): chr1:15,727,150, C>T. VCF-style: chr1-15727150-C-T. GRCh37 (hg19) VCF-style: chr1-16053645-C-T.
Other names: c.1018C>T, p.Leu340Phe (NM_001410755.1); c.1078C>T (NM_015164.2); short protein forms L360F, L340F.
Identifiers: ClinVar variation 2706954 (VCV002706954.4), dbSNP rs2522441253, ClinGen allele CA338585206.